The following is an entry in ClinVar:

NM_007175.8(ERLIN2):c.106A>G (p.Arg36Gly)

Gene: ERLIN2 (ER lipid raft associated 2; plus strand). Cytogenetic location: 8p11.23.
Variant type: single nucleotide variant.
Coding change: c.106A>G on transcript NM_007175.8 (MANE Select); coding-DNA position 106, A replaced by G.
Protein change: p.Arg36Gly; replaces arginine 36 with glycine.
Molecular consequence: missense variant.
Genome position (GRCh38, 1-based): chr8:37,738,028, A>G. VCF-style: chr8-37738028-A-G. GRCh37 (hg19) VCF-style: chr8-37595546-A-G.
Other names: c.106A>G, p.Arg36Gly (NM_001003790.4, NM_001003791.3, NM_001362878.2 and 1 more transcripts); short protein forms R36G.
Identifiers: ClinVar variation 1720746 (VCV001720746.5), dbSNP rs2487279160, ClinGen allele CA370649219.

ClinVar aggregate classification (germline): Uncertain significance (1 of 4 stars; one submission).

Conditions:
Spastic paraplegia. Identifiers: MedGen C0037772, HP:0001258.

Submission:

Labcorp Genetics (formerly Invitae), Labcorp
Classification: Uncertain significance for Spastic paraplegia. Last evaluated: 2022-10-01. Review status: criteria provided, single submitter. Criteria: Invitae Variant Classification Sherloc (09022015). Collection method: clinical testing. Allele origin: germline.
Comment: In summary, the available evidence is currently insufficient to determine the role of this variant in disease. Therefore, it has been classified as a Variant of Uncertain Significance. Algorithms developed to predict the effect of sequence changes on RNA splicing suggest that this variant may disrupt the consensus splice site. Algorithms developed to predict the effect of missense changes on protein structure and function (SIFT, PolyPhen-2, Align-GVGD) all suggest that this variant is likely to be disruptive. This variant has not been reported in the literature in individuals affected with ERLIN2-related conditions. This variant is not present in population databases (gnomAD no frequency). This sequence change replaces arginine, which is basic and polar, with glycine, which is neutral and non-polar, at codon 36 of the ERLIN2 protein (p.Arg36Gly).